The following is an entry in ClinVar:

NM_001080517.3(SETD5):c.10G>T (p.Ala4Ser)

Gene: SETD5 (SET domain containing 5; plus strand). Cytogenetic location: 3p25.3.
Variant type: single nucleotide variant.
Coding change: c.10G>T on transcript NM_001080517.3 (MANE Select); coding-DNA position 10, G replaced by T.
Protein change: p.Ala4Ser; replaces alanine 4 with serine.
Molecular consequence: missense variant. On other transcripts: 5 prime UTR variant (2).
Genome position (GRCh38, 1-based): chr3:9,428,948, G>T. VCF-style: chr3-9428948-G-T. GRCh37 (hg19) VCF-style: chr3-9470632-G-T.
Other names: c.-549G>T (NM_001292043.2); c.-590G>T (NM_001349451.2); c.10G>T (NM_001080517.1); short protein forms A4S.
Identifiers: ClinVar variation 2970654 (VCV002970654.4), dbSNP rs1210687040, ClinGen allele CA351678956.

ClinVar aggregate classification (germline): Uncertain significance. Review status: criteria provided, multiple submitters, no conflicts (2 of 4 stars). 2 submissions from 2 submitters: Uncertain significance (2). Last evaluated 2025-04-03.

Conditions:
Inborn genetic diseases. Identifiers: MedGen C0950123, MeSH D030342.

Allele frequency attached by ClinVar (database versions not stated): gnomAD 0.00001; TOPMed 0.00001.
gnomAD v4.1: 1 of 1,612,722 alleles (0.000062%); highest among the groups gnomAD compares: African/African-American, 0.0013%; no homozygotes.

Submissions (2):

Ambry Genetics
Classification: Uncertain significance for Inborn genetic diseases. Last evaluated: 2025-04-03. Review status: criteria provided, single submitter. Criteria: Ambry Variant Classification Scheme 2023. Collection method: clinical testing. Allele origin: germline.

Labcorp Genetics (formerly Invitae), Labcorp
Classification: Uncertain significance. Last evaluated: 2023-06-06. Review status: criteria provided, single submitter. Criteria: Invitae Variant Classification Sherloc (09022015). Collection method: clinical testing. Allele origin: germline.
Comment: In summary, the available evidence is currently insufficient to determine the role of this variant in disease. Therefore, it has been classified as a Variant of Uncertain Significance. Advanced modeling of protein sequence and biophysical properties (such as structural, functional, and spatial information, amino acid conservation, physicochemical variation, residue mobility, and thermodynamic stability) has been performed at Invitae for this missense variant, however the output from this modeling did not meet the statistical confidence thresholds required to predict the impact of this variant on SETD5 protein function. This variant has not been reported in the literature in individuals affected with SETD5-related conditions. This variant is not present in population databases (gnomAD no frequency). This sequence change replaces alanine, which is neutral and non-polar, with serine, which is neutral and polar, at codon 4 of the SETD5 protein (p.Ala4Ser).